The following is an entry in ClinVar:

NM_003482.4(KMT2D):c.14836G>A (p.Val4946Ile)

Gene: KMT2D (lysine methyltransferase 2D; minus strand). Cytogenetic location: 12q13.12.
Variant type: single nucleotide variant.
Coding change: c.14836G>A on transcript NM_003482.4 (MANE Select); coding-DNA position 14836, G replaced by A.
Protein change: p.Val4946Ile; replaces valine 4946 with isoleucine.
Molecular consequence: missense variant.
Genome position (GRCh38, 1-based): chr12:49,027,130, C>T on the plus strand (G>A on the coding strand, the complement: KMT2D is on the minus strand). VCF-style: chr12-49027130-C-T. GRCh37 (hg19) VCF-style: chr12-49420913-C-T.
Other names: c.14836G>A (NM_003482.3); short protein forms V4946I.
Identifiers: ClinVar variation 1521323 (VCV001521323.18), dbSNP rs756017412, ClinGen allele CA6545651.
Genomic context (GRCh38, chr12:49,027,130, plus strand): 5'-GGGCACGGGGCTTGGGTCGGGCTGATTCAGGGGATGAGGCCAGTGGCAGAGGTGAGGGGA[C>T]GGGTGGCTCAGCCAAGGGTTCGGTGGGAAGTTCAACCAAGGGCTCAGTAGGGGGACTGGC-3'
Protein context (NP_003473.3, residues 4936-4956): LPTEPLAEPP[Val4946Ile]PSPLPLASSP

ClinVar aggregate classification (germline): Conflicting classifications of pathogenicity. Review status: criteria provided, conflicting classifications (1 of 4 stars). 5 submissions from 5 submitters: Uncertain significance (1); Benign (1); Likely benign (2). 1 of the submissions does not count toward it. Last evaluated 2026-01-20.

Conditions:
KMT2D-related disorder. Also called: KMT2D-Related Disorders.
Kabuki syndrome. Also called: Kabuki make-up syndrome; NIIKAWA-KUROKI SYNDROME. Identifiers: Orphanet 2322, MedGen C0796004, MONDO:0016512.

Allele frequency attached by ClinVar (database versions not stated): gnomAD 0.00003; gnomAD exomes 0.00003 and 0.00007; ExAC 0.00005.
gnomAD v4.1: 46 of 1,531,696 alleles (0.003%); highest among the groups gnomAD compares: Admixed American, 0.02%; no homozygotes.

Submissions (5):

Labcorp Genetics (formerly Invitae), Labcorp
Classification: Benign for Kabuki syndrome. Last evaluated: 2026-01-20. Review status: criteria provided, single submitter. Criteria: Invitae Variant Classification Sherloc (09022015). Collection method: clinical testing. Allele origin: germline.

CeGaT Center for Human Genetics Tuebingen
Classification: Likely benign. Last evaluated: 2025-09-01. Review status: criteria provided, single submitter. Criteria: CeGaT Center For Human Genetics Tuebingen Variant Classification Criteria Version 2. Collection method: clinical testing. Allele origin: germline. Affected: yes. Observed: 1 variant allele.
Comment: KMT2D: BP4

Blueprint Genetics
Classification: Likely benign. Last evaluated: 2024-09-13. Review status: criteria provided, single submitter. Criteria: ACMG Guidelines, 2015. Collection method: clinical testing. Allele origin: germline.

Revvity Omics, Revvity
Classification: Uncertain significance. Last evaluated: 2022-06-06. Review status: criteria provided, single submitter. Criteria: ACMG Guidelines, 2015. Collection method: clinical testing. Allele origin: germline.

PreventionGenetics, part of Exact Sciences
Classification: Likely benign for KMT2D-related condition. Last evaluated: 2021-12-27. Review status: no assertion criteria provided. Collection method: clinical testing. Allele origin: germline. Not counted in ClinVar's aggregate classification.
Comment: This variant is classified as likely benign based on ACMG/AMP sequence variant interpretation guidelines (Richards et al. 2015 PMID: 25741868, with internal and published modifications).